The following is an entry in ClinVar:

ClinVar aggregate classification (germline): Uncertain significance. Review status: criteria provided, multiple submitters, no conflicts (2 of 4 stars). 3 submissions from 3 submitters: Uncertain significance (3). Last evaluated 2023-01-26.

Allele frequency attached by ClinVar (database versions not stated): TOPMed below 0.00001; gnomAD exomes 0.00001.
gnomAD v4.1: 9 of 1,614,034 alleles (0.00056%); highest among the groups gnomAD compares: Middle Eastern, 0.033%; no homozygotes.

Submissions (3):

Women's Health and Genetics/Laboratory Corporation of America, LabCorp
Classification: Uncertain significance. Last evaluated: 2023-01-26. Review status: criteria provided, single submitter. Criteria: LabCorp Variant Classification Summary - May 2015. Collection method: clinical testing. Allele origin: germline.
Comment: Variant summary: KIF5C c.2779C>T (p.Arg927Cys) results in a non-conservative amino acid change in the encoded protein sequence. Five of five in-silico tools predict a damaging effect of the variant on protein function. The variant was absent in 249196 control chromosomes. The available data on variant occurrences in the general population are insufficient to allow any conclusion about variant significance. To our knowledge, no occurrence of c.2779C>T in individuals affected with Complex Cortical Dysplasia With Other Brain Malformations 2 and no experimental evidence demonstrating its impact on protein function have been reported. Two ClinVar submitters (evaluation after 2014) have cited the variant, and both laboratories classified the variant as uncertain significance. Based on the evidence outlined above, the variant was classified as uncertain significance.

GeneDx
Classification: Uncertain significance. Last evaluated: 2017-10-10. Review status: criteria provided, single submitter. Criteria: GeneDx Variant Classification (06012015). Collection method: clinical testing. Allele origin: germline. Affected: yes.
Comment: The R927C variant in the KIF5C gene has not been reported previously as a pathogenic variant, nor as a benign variant, to our knowledge. This variant was not observed in approximately 6000 individuals of European and African American ancestry in the NHLBI Exome Sequencing Project, indicating it is not a common benign variant in these populations. The R927C variant is a non-conservative amino acid substitution, which occurs at a position that is conserved across species. In silico analysis predicts this variant is probably damaging to the protein structure/function. We interpret R927C as a variant of uncertain significance.

CeGaT Center for Human Genetics Tuebingen
Classification: Uncertain significance. Last evaluated: 2016-12-01. Review status: criteria provided, single submitter. Criteria: CeGaT Center For Human Genetics Tuebingen Variant Classification Criteria Version 2. Collection method: clinical testing. Allele origin: germline. Affected: yes. Observed: 1 variant allele.

NM_004522.3(KIF5C):c.2779C>T (p.Arg927Cys)

Gene: KIF5C (kinesin family member 5C; plus strand). Cytogenetic location: 2q23.2.
Variant type: single nucleotide variant.
Coding change: c.2779C>T on transcript NM_004522.3 (MANE Select); coding-DNA position 2779, C replaced by T.
Protein change: p.Arg927Cys; replaces arginine 927 with cysteine.
Molecular consequence: missense variant. On other transcripts: non-coding transcript variant (1).
Genome position (GRCh38, 1-based): chr2:149,011,581, C>T. VCF-style: chr2-149011581-C-T. GRCh37 (hg19) VCF-style: chr2-149868095-C-T.
Other names: short protein forms R927C.
Identifiers: ClinVar variation 449278 (VCV000449278.47), dbSNP rs867604993, ClinGen allele CA57601594.